The following is an entry in ClinVar:

ClinVar aggregate classification (germline): Uncertain significance. Review status: criteria provided, multiple submitters, no conflicts (2 of 4 stars). 2 submissions from 2 submitters: Uncertain significance (2). Last evaluated 2024-10-07.

Allele frequency attached by ClinVar (database versions not stated): gnomAD exomes below 0.00001; ExAC 0.00001; gnomAD 0.00001; TOPMed 0.00002.
gnomAD v4.1: 8 of 1,613,932 alleles (0.0005%); highest among the groups gnomAD compares: Non-Finnish European, 0.00068%; no homozygotes.

Submissions (2):

Ambry Genetics
Classification: Uncertain significance. Last evaluated: 2024-10-07. Review status: criteria provided, single submitter. Criteria: Ambry Variant Classification Scheme 2023. Collection method: clinical testing. Allele origin: germline.

Labcorp Genetics (formerly Invitae), Labcorp
Classification: Uncertain significance. Last evaluated: 2021-10-15. Review status: criteria provided, single submitter. Criteria: Invitae Variant Classification Sherloc (09022015). Collection method: clinical testing. Allele origin: germline.
Comment: In summary, the available evidence is currently insufficient to determine the role of this variant in disease. Therefore, it has been classified as a Variant of Uncertain Significance. Algorithms developed to predict the effect of missense changes on protein structure and function (SIFT, PolyPhen-2, Align-GVGD) all suggest that this variant is likely to be tolerated. This variant has not been reported in the literature in individuals affected with SORL1-related conditions. This variant is present in population databases (rs767441313, ExAC 0.001%). This sequence change replaces valine with isoleucine at codon 882 of the SORL1 protein (p.Val882Ile). The valine residue is moderately conserved and there is a small physicochemical difference between valine and isoleucine.

NM_003105.6(SORL1):c.2644G>A (p.Val882Ile)

Gene: SORL1 (sortilin related receptor 1; plus strand). Cytogenetic location: 11q24.1.
Variant type: single nucleotide variant.
Coding change: c.2644G>A on transcript NM_003105.6 (MANE Select); coding-DNA position 2644, G replaced by A.
Protein change: p.Val882Ile; replaces valine 882 with isoleucine.
Molecular consequence: missense variant.
Genome position (GRCh38, 1-based): chr11:121,557,386, G>A. VCF-style: chr11-121557386-G-A. GRCh37 (hg19) VCF-style: chr11-121428095-G-A.
Other names: c.2644G>A (NM_003105.5); short protein forms V882I.
Identifiers: ClinVar variation 2163759 (VCV002163759.5), dbSNP rs767441313, ClinGen allele CA6329013.